The following is an entry in ClinVar:

NM_000179.3(MSH6):c.3518_3519insA (p.Phe1174fs)

Gene: MSH6 (mutS homolog 6; plus strand). Cytogenetic location: 2p16.3.
Variant type: Insertion.
Coding change: c.3518_3519insA on transcript NM_000179.3 (MANE Select); coding-DNA positions 3518 to 3519, A inserted.
Protein change: p.Phe1174fs; shifts the reading frame from phenylalanine 1174.
Molecular consequence: frameshift variant. On other transcripts: non-coding transcript variant (4).
Genome position: GRCh38 VCF-style: chr2-47804989-T-TA. GRCh37 (hg19) VCF-style: chr2-48032128-T-TA.
Other names: c.3128_3129insA, p.Phe1044fs (NM_001281492.2); c.2612_2613insA, p.Phe872fs (NM_001281493.2, NM_001281494.2, NM_001406811.1 and 6 more transcripts); c.3614_3615insA, p.Phe1206fs (NM_001406795.1, NM_001406802.1); c.3518_3519insA, p.Phe1174fs (NM_001406796.1, NM_001406800.1, NM_001406808.1 and 1 more transcripts); c.3221_3222insA, p.Phe1075fs (NM_001406797.1, NM_001406801.1, NM_001406805.1 and 10 more transcripts); c.3344_3345insA, p.Phe1116fs (NM_001406798.1); c.2993_2994insA, p.Phe999fs (NM_001406799.1, NM_001406806.1, NM_001406807.1); c.2654_2655insA, p.Phe886fs (NM_001406803.1); and 7 more; short protein forms F101fs, F1044fs, F1075fs, F1116fs, F1118fs, F1148fs, F1174fs, F1176fs.
Identifiers: ClinVar variation 2673782 (VCV002673782.2), dbSNP rs2530804564, ClinGen allele CA2586964949.

ClinVar aggregate classification (germline): Pathogenic. Review status: criteria provided, multiple submitters, no conflicts (2 of 4 stars). 2 submissions from 2 submitters: Pathogenic (2). Last evaluated 2025-11-26.

Conditions:
Hereditary nonpolyposis colorectal neoplasms. Identifiers: MedGen C0009405, MeSH D003123.
Lynch syndrome 5 (LYNCH5). Also called: Hereditary non-polyposis colorectal cancer, type 5; Colorectal cancer, hereditary nonpolyposis, type 5. Identifiers: Orphanet 144, MedGen C1833477, MONDO:0013710, OMIM 614350. Disease mechanism: loss of function.

Allele frequency attached by ClinVar (database versions not stated): gnomAD exomes below 0.00001.

Submissions (2):

Labcorp Genetics (formerly Invitae), Labcorp
Classification: Pathogenic for Hereditary nonpolyposis colorectal neoplasms. Last evaluated: 2025-11-26. Review status: criteria provided, single submitter. Criteria: Invitae Variant Classification Sherloc (09022015). Collection method: clinical testing. Allele origin: germline.
Comment: This sequence change creates a premature translational stop signal (p.Phe1174Valfs*3) in the MSH6 gene. It is expected to result in an absent or disrupted protein product. Loss-of-function variants in MSH6 are known to be pathogenic (PMID: 18269114, 24362816). This variant is not present in population databases (gnomAD no frequency). This premature translational stop signal has been observed in individual(s) with clinical features of MSH6-related conditions (PMID: 20028993). ClinVar contains an entry for this variant (Variation ID: 2673782). Algorithms developed to predict the effect of sequence changes on RNA splicing suggest that this variant may disrupt the consensus splice site. For these reasons, this variant has been classified as Pathogenic.

Myriad Genetics, Inc.
Classification: Pathogenic for Lynch syndrome 5. Last evaluated: 2023-08-24. Review status: criteria provided, single submitter. Criteria: Myriad Autosomal Dominant, Autosomal Recessive and X-Linked Classification Criteria (2023). Collection method: clinical testing. Allele origin: unknown.
Comment: This variant is considered pathogenic. This variant creates a frameshift predicted to result in premature protein truncation.

Literature cited by the submitters: PubMed 18269114 (cited by Labcorp Genetics (formerly Invitae), Labcorp); PubMed 24362816 (cited by Labcorp Genetics (formerly Invitae), Labcorp); PubMed 20028993 (cited by Labcorp Genetics (formerly Invitae), Labcorp).